The following is an entry in ClinVar:

NM_000099.4(CST3):c.76G>T (p.Gly26Cys)

Genes: CST3 (cystatin C; minus strand), LOC130065547 (ATAC-STARR-seq lymphoblastoid silent region 12734; plus strand). Cytogenetic location: 20p11.21.
Variant type: single nucleotide variant.
Coding change: c.76G>T on transcript NM_000099.4 (MANE Select); coding-DNA position 76, G replaced by T.
Protein change: p.Gly26Cys; replaces glycine 26 with cysteine.
Molecular consequence: missense variant.
Genome position (GRCh38, 1-based): chr20:23,637,787, C>A on the plus strand (G>T on the coding strand, the complement: CST3 is on the minus strand). VCF-style: chr20-23637787-C-A. GRCh37 (hg19) VCF-style: chr20-23618424-C-A.
Other names: c.76G>T, p.Gly26Cys (NM_001288614.2); short protein forms G26C.
Identifiers: ClinVar variation 4886945 (VCV004886945.1).

ClinVar aggregate classification (germline): Likely benign (1 of 4 stars; one submission).

Conditions:
Leukodystrophy, adult-onset, autosomal dominant, without amyloid angiopathy. Identifiers: MedGen C6012728, MONDO:0979226, OMIM 621214.

Submission:

Center for Human Genetics and Genomic Medicine, Uniklinik Rwth Aachen
Classification: Likely benign for Leukodystrophy, adult-onset, autosomal dominant, without amyloid angiopathy. Last evaluated: 2026-08-06. Review status: criteria provided, single submitter. Criteria: ACMG Guidelines, 2015. Collection method: clinical testing. Allele origin: unknown. Inheritance: Autosomal dominant inheritance. Affected: no. Observed: 1 variant allele, 1 homozygote.
Comment: The variant has not yet been detected in the general population (gnomAD v4.1.0) (6. August 2026, PM2_supporting). Bioinformatics prediction tools (REVEL (v2021-05-03), CADD (v1.6); accessed via Alamut Visual Plus v.2.0.1) classify the variant as likely benign (BP4).